The following is an entry in ClinVar:

NM_001353345.2(SETD1B):c.535G>A (p.Asp179Asn)

Gene: SETD1B (SET domain containing 1B, histone lysine methyltransferase; plus strand). Cytogenetic location: 12q24.31.
Variant type: single nucleotide variant.
Coding change: c.535G>A on transcript NM_001353345.2 (MANE Select); coding-DNA position 535, G replaced by A.
Protein change: p.Asp179Asn; replaces aspartic acid 179 with asparagine.
Molecular consequence: missense variant.
Genome position (GRCh38, 1-based): chr12:121,806,096, G>A. VCF-style: chr12-121806096-G-A. GRCh37 (hg19) VCF-style: chr12-122244002-G-A.
Other names: short protein forms D179N.
Identifiers: ClinVar variation 4071840 (VCV004071840.1).

ClinVar aggregate classification (germline): Uncertain significance (1 of 4 stars; one submission).

Submission:

GeneDx
Classification: Uncertain significance. Last evaluated: 2025-01-28. Review status: criteria provided, single submitter. Criteria: GeneDx Variant Classification Process June 2021. Collection method: clinical testing. Allele origin: germline. Affected: yes.
Comment: Not observed at significant frequency in large population cohorts (gnomAD); In silico analysis supports that this missense variant has a deleterious effect on protein structure/function; Has not been previously published as pathogenic or benign to our knowledge